The following is an entry in ClinVar:

NM_032229.3(SLITRK6):c.769A>G (p.Ile257Val)

Gene: SLITRK6 (SLIT and NTRK like family member 6; minus strand). Cytogenetic location: 13q31.1.
Variant type: single nucleotide variant.
Coding change: c.769A>G on transcript NM_032229.3 (MANE Select); coding-DNA position 769, A replaced by G.
Protein change: p.Ile257Val; replaces isoleucine 257 with valine.
Molecular consequence: missense variant.
Genome position (GRCh38, 1-based): chr13:85,795,740, T>C on the plus strand (A>G on the coding strand, the complement: SLITRK6 is on the minus strand). VCF-style: chr13-85795740-T-C. GRCh37 (hg19) VCF-style: chr13-86369875-T-C.
Other names: short protein forms I257V.
Identifiers: ClinVar variation 1120075 (VCV001120075.4), dbSNP rs1874698672, ClinGen allele CA388379758.
Genomic context (GRCh38, chr13:85,795,740, plus strand): 5'-CATGTTCTTCATACACTGGTGGAGTAGGGCAAATAGATTCCTTCTTTAGTCTACTGAGTA[T>C]ACTTCCTTTAAAAAATGGAGGGCTGTTGCAGACAACATCACCAATTATAGACTGTGGAGG-3'
Protein context (NP_115605.2, residues 247-267): CNSPPFFKGS[Ile257Val]LSRLKKESIC

ClinVar aggregate classification (germline): Likely benign (1 of 4 stars; one submission).

Allele frequency attached by ClinVar (database versions not stated): gnomAD exomes 0.00001.

Submission:

Laboratory for Molecular Medicine, Mass General Brigham Personalized Medicine
Classification: Likely benign. Last evaluated: 2020-09-16. Review status: criteria provided, single submitter. Criteria: LMM Criteria. Collection method: clinical testing. Allele origin: germline. Observed: 1 variant allele.
Comment: The p.Ile257Val variant in SLITRK6 is classified as likely benign due to a lack of conservation across species. Nine mammals (rhesus, crab-eating macaque, baboon, mouse, ferret, tenrec, opossum, Tasmanian devil, platypus) carry a valine (Val) at this position despite high nearby amino acid conservation. ACMG/AMP Criteria applied: BP4_Strong.